The following is an entry in ClinVar:

ClinVar aggregate classification (germline): Pathogenic (1 of 4 stars; one submission).

Conditions:
Cystinuria (CSNU). Also called: CYSTINURIA, TYPE I; CYSTINURIA, TYPE II; CYSTINURIA, TYPE III; Cystinuria, non-type I. Identifiers: Orphanet 214, MedGen C0010691, MONDO:0009067, OMIM 220100, HP:0003131.

gnomAD v4.1: 1 of 1,613,904 alleles (0.000062%); no homozygotes.

Submission:

Labcorp Genetics (formerly Invitae), Labcorp
Classification: Pathogenic for Cystinuria. Last evaluated: 2023-05-19. Review status: criteria provided, single submitter. Criteria: Invitae Variant Classification Sherloc (09022015). Collection method: clinical testing. Allele origin: germline.
Comment: This variant is not present in population databases (gnomAD no frequency). This sequence change replaces arginine, which is basic and polar, with serine, which is neutral and polar, at codon 456 of the SLC3A1 protein (p.Arg456Ser). This missense change has been observed in individual(s) with clinical features of cystinuria (PMID: 15635077; Invitae). In at least one individual the data is consistent with being in trans (on the opposite chromosome) from a pathogenic variant. For these reasons, this variant has been classified as Pathogenic. This variant disrupts the p.Arg456 amino acid residue in SLC3A1. Other variant(s) that disrupt this residue have been determined to be pathogenic (PMID: 16225397, 23532419). This suggests that this residue is clinically significant, and that variants that disrupt this residue are likely to be disease-causing. Advanced modeling of protein sequence and biophysical properties (such as structural, functional, and spatial information, amino acid conservation, physicochemical variation, residue mobility, and thermodynamic stability) has been performed at Invitae for this missense variant, however the output from this modeling did not meet the statistical confidence thresholds required to predict the impact of this variant on SLC3A1 protein function. ClinVar contains an entry for this variant (Variation ID: 1469318).

Literature cited by the submitters: PubMed 15635077; PubMed 16225397; PubMed 23532419.

NM_000341.4(SLC3A1):c.1366C>A (p.Arg456Ser)

Gene: SLC3A1 (solute carrier family 3 member 1; plus strand). Cytogenetic location: 2p21.
Variant type: single nucleotide variant.
Coding change: c.1366C>A on transcript NM_000341.4 (MANE Select); coding-DNA position 1366, C replaced by A.
Protein change: p.Arg456Ser; replaces arginine 456 with serine.
Molecular consequence: missense variant.
Genome position (GRCh38, 1-based): chr2:44,312,619, C>A. VCF-style: chr2-44312619-C-A. GRCh37 (hg19) VCF-style: chr2-44539758-C-A.
Other names: short protein forms R456S.
Identifiers: ClinVar variation 1469318 (VCV001469318.6), dbSNP rs139251285, ClinGen allele CA346684324.